The following is an entry in ClinVar:

NM_001042492.3(NF1):c.2492_2493del (p.Thr831fs)

Gene: NF1 (neurofibromin 1; plus strand). Cytogenetic location: 17q11.2.
Variant type: Microsatellite.
Coding change: c.2492_2493del on transcript NM_001042492.3 (MANE Select); coding-DNA positions 2492 to 2493, 2 bases deleted (CA; older notation c.2492_2493delCA).
Protein change: p.Thr831fs; shifts the reading frame from threonine 831.
Molecular consequence: frameshift variant.
Genome position (GRCh38, 1-based): chr17:31,229,107-31,229,108, CA deleted; deleting any 2 consecutive bases within chr17:31,229,104-31,229,108 gives the same sequence; the c. name uses the placement nearest the transcript's 3' end. VCF-style (leftmost placement, unchanged base first): chr17-31229103-GAC-G. GRCh37 (hg19) VCF-style: chr17-29556121-GAC-G.
Other names: c.2490_2491CA[1], p.Thr831Argfs (NM_000267.4); short protein forms T831fs.
Identifiers: ClinVar variation 2137969 (VCV002137969.4), dbSNP rs2508182658, ClinGen allele CA2580614088.

ClinVar aggregate classification (germline): Pathogenic. Review status: criteria provided, multiple submitters, no conflicts (2 of 4 stars). 2 submissions from 2 submitters: Pathogenic (2). Last evaluated 2024-12-30.

Conditions:
Neurofibromatosis, type 1 (NF1). Also called: Peripheral type neurofibromatosis; VON RECKLINGHAUSEN DISEASE; NEUROFIBROMATOSIS, TYPE I, SOMATIC; Neurofibromatosis, type I. Identifiers: Orphanet 636, MedGen C0027831, MONDO:0018975, OMIM 162200. Disease mechanism: loss of function.

Submissions (2):

GeneDx
Classification: Pathogenic. Last evaluated: 2024-12-30. Review status: criteria provided, single submitter. Criteria: GeneDx Variant Classification Process June 2021. Collection method: clinical testing. Allele origin: germline. Affected: yes.
Comment: Frameshift variant predicted to result in protein truncation or nonsense mediated decay in a gene for which loss of function is a known mechanism of disease; Not observed at significant frequency in large population cohorts (gnomAD); This variant is associated with the following publications: (PMID: 17311297)

Labcorp Genetics (formerly Invitae), Labcorp
Classification: Pathogenic for Neurofibromatosis, type 1. Last evaluated: 2022-06-17. Review status: criteria provided, single submitter. Criteria: Invitae Variant Classification Sherloc (09022015). Collection method: clinical testing. Allele origin: germline.
Comment: For these reasons, this variant has been classified as Pathogenic. Algorithms developed to predict the effect of sequence changes on RNA splicing suggest that this variant may create or strengthen a splice site. This premature translational stop signal has been observed in individual(s) with neurofibromatosis type 1 (PMID: 17311297). This variant is not present in population databases (gnomAD no frequency). This sequence change creates a premature translational stop signal (p.Thr831Argfs*33) in the NF1 gene. It is expected to result in an absent or disrupted protein product. Loss-of-function variants in NF1 are known to be pathogenic (PMID: 10712197, 23913538).

Literature cited by the submitters: PubMed 17311297 (cited by Labcorp Genetics (formerly Invitae), Labcorp); PubMed 10712197 (cited by Labcorp Genetics (formerly Invitae), Labcorp); PubMed 23913538 (cited by Labcorp Genetics (formerly Invitae), Labcorp).